The following is an entry in ClinVar:

ClinVar aggregate classification (germline): Uncertain significance (1 of 4 stars; one submission).

Conditions:
Inflammatory bowel disease. Identifiers: Orphanet 104012, MedGen C0021390, MONDO:0005265, HP:0002037.

gnomAD v4.1: 3 of 1,614,024 alleles (0.00019%); highest among the groups gnomAD compares: Non-Finnish European, 0.00025%; no homozygotes.

Submission:

Labcorp Genetics (formerly Invitae), Labcorp
Classification: Uncertain significance for Inflammatory bowel disease. Last evaluated: 2022-10-05. Review status: criteria provided, single submitter. Criteria: Invitae Variant Classification Sherloc (09022015). Collection method: clinical testing. Allele origin: germline.
Comment: This sequence change replaces arginine, which is basic and polar, with leucine, which is neutral and non-polar, at codon 125 of the IL10 protein (p.Arg125Leu). This variant is not present in population databases (gnomAD no frequency). This variant has not been reported in the literature in individuals affected with IL10-related conditions. ClinVar contains an entry for this variant (Variation ID: 1482256). Algorithms developed to predict the effect of missense changes on protein structure and function are either unavailable or do not agree on the potential impact of this missense change (SIFT: "Deleterious"; PolyPhen-2: "Benign"; Align-GVGD: "Class C15"). In summary, the available evidence is currently insufficient to determine the role of this variant in disease. Therefore, it has been classified as a Variant of Uncertain Significance.

NM_000572.3(IL10):c.374G>T (p.Arg125Leu)

Genes: IL10 (interleukin 10; minus strand), IL19 (interleukin 19; plus strand). Cytogenetic location: 1q32.1.
Variant type: single nucleotide variant.
Coding change: c.374G>T on transcript NM_000572.3 (MANE Select); coding-DNA position 374, G replaced by T.
Protein change: p.Arg125Leu; replaces arginine 125 with leucine.
Molecular consequence: missense variant. On other transcripts: 5 prime UTR variant (1), non-coding transcript variant (1), intron variant (1).
Genome position (GRCh38, 1-based): chr1:206,770,911, C>A on the plus strand (G>T on the coding strand, the complement: IL10 is on the minus strand). VCF-style: chr1-206770911-C-A. GRCh37 (hg19) VCF-style: chr1-206944256-C-A.
Other names: c.-316C>A (NM_153758.5); c.119G>T, p.Arg40Leu (NM_001382624.1); c.-149+81C>A (NM_001393490.1); short protein forms R125L, R40L.
Identifiers: ClinVar variation 1482256 (VCV001482256.5), dbSNP rs374619208, ClinGen allele CA344481934.
Genomic context (GRCh38, chr1:206,770,911, plus strand): 5'-GTAGGAGATGGTATTTTGGGGGCAGCTGCAAGGGAAAAAACTGATCTGCTACTTACACAG[C>A]GCCGTAGCCTCAGCCTGAGGGTCTTCAGGTTCTCCCCCAGGGAGTTCACATGCGCCTTGA-3'
Protein context (NP_000563.1, residues 115-135): NLKTLRLRLR[Arg125Leu]CHRFLPCENK